The following is an entry in ClinVar:

ClinVar aggregate classification (germline): Benign (1 of 4 stars; one submission).

Conditions:
Hermansky-Pudlak syndrome 4 (HPS4). Identifiers: Orphanet 231500, Orphanet 79430, MedGen C3484357, MONDO:0013556, OMIM 614073.

Allele frequency attached by ClinVar (database versions not stated): gnomAD 0.00827 and 0.00883; TOPMed 0.00871; 1000 Genomes Project 30x 0.01015; 1000 Genomes Project 0.01018.
gnomAD v4.1: 1,240 of 152,324 alleles (0.81%); highest among the groups gnomAD compares: African/African-American, 2.8%; 16 homozygotes.

Submission:

Illumina Laboratory Services, Illumina
Classification: Benign for Hermansky-Pudlak syndrome 4. Last evaluated: 2018-01-12. Review status: criteria provided, single submitter. Criteria: ICSL Variant Classification Criteria 13 December 2019. Collection method: clinical testing. Allele origin: germline.
Comment: This variant was observed in the ICSL laboratory as part of a predisposition screen in an ostensibly healthy population. It had not been previously curated by ICSL or reported in the Human Gene Mutation Database (HGMD: prior to June 1st, 2018), and was therefore a candidate for classification through an automated scoring system. Utilizing variant allele frequency, disease prevalence and penetrance estimates, and inheritance mode, an automated score was calculated to assess if this variant is too frequent to cause the disease. Based on the score and internal cut-off values, a variant classified as benign is not then subjected to further curation. The score for this variant resulted in a classification of benign for this disease.

NM_022081.6(HPS4):c.*2269A>G

Gene: HPS4 (HPS4 biogenesis of lysosomal organelles complex 3 subunit 2; minus strand). Cytogenetic location: 22q12.1.
Variant type: single nucleotide variant.
Coding change: c.*2269A>G on transcript NM_022081.6 (MANE Select); 2269 bases downstream of the stop codon, A replaced by G.
Molecular consequence: 3 prime UTR variant. On other transcripts: non-coding transcript variant (8), intron variant (2).
Genome position (GRCh38, 1-based): chr22:26,450,964, T>C on the plus strand (A>G on the coding strand, the complement: HPS4 is on the minus strand). VCF-style: chr22-26450964-T-C. GRCh37 (hg19) VCF-style: chr22-26846930-T-C.
Other names: c.*2269A>G (NM_001349896.1, NM_001349898.2, NM_001349899.2 and 3 more transcripts); c.*2204A>G (NM_001349902.1, NM_001349903.2); c.1956-6270A>G (NM_001349905.1, NM_001349904.2).
Identifiers: ClinVar variation 903361 (VCV000903361.4), dbSNP rs147989849, ClinGen allele CA322836765.